The following is an entry in ClinVar:

NM_018161.5(NADSYN1):c.153C>A (p.Tyr51Ter)

Gene: NADSYN1 (NAD synthetase 1; plus strand). Cytogenetic location: 11q13.4.
Variant type: single nucleotide variant.
Coding change: c.153C>A on transcript NM_018161.5 (MANE Select); coding-DNA position 153, C replaced by A.
Protein change: p.Tyr51Ter; replaces tyrosine 51 with a stop codon.
Molecular consequence: nonsense.
Genome position (GRCh38, 1-based): chr11:71,458,434, C>A. VCF-style: chr11-71458434-C-A. GRCh37 (hg19) VCF-style: chr11-71169480-C-A.
Other names: short protein forms Y51*.
Identifiers: ClinVar variation 5043312 (VCV005043312.1).

ClinVar aggregate classification (germline): Pathogenic (1 of 4 stars; one submission).

Conditions:
Fetal anomalies with a likely genetic cause.

Submission:

Genetics Laboratory, Great Ormond Street Hospital NHS Foundation Trust, North Thames Genomic Laboratory Hub
Classification: Pathogenic for Fetal anomalies with a likely genetic cause. Last evaluated: 2026-09-17. Review status: criteria provided, single submitter. Criteria: ACGS Best Practice Guidelines for Variant Classification in Rare Disease 2024 v1.2. Collection method: clinical testing. Allele origin: germline. Affected: yes.
Comment: PM2_moderate, PVS1_very-strong